The following is an entry in ClinVar:

ClinVar aggregate classification (germline): Pathogenic (1 of 4 stars; one submission).

Conditions:
Curry-Hall syndrome (WAD). Also called: WEYERS ACRODENTAL DYSOSTOSIS. Identifiers: Orphanet 952, MedGen C0457013, MONDO:0008673, OMIM 193530.
Ellis-van Creveld syndrome (EVC). Also called: Chondroectodermal dysplasia; EVC-Related Ellis-van Creveld Syndrome; EVC2-Related Ellis-van Creveld Syndrome; MESOECTODERMAL DYSPLASIA. Identifiers: Orphanet 289, MedGen C0013903, MONDO:0009162, OMIM 225500.

Submission:

Labcorp Genetics (formerly Invitae), Labcorp
Classification: Pathogenic for Curry-Hall syndrome; Ellis-van Creveld syndrome. Last evaluated: 2022-01-22. Review status: criteria provided, single submitter. Criteria: Invitae Variant Classification Sherloc (09022015). Collection method: clinical testing. Allele origin: germline.
Comment: For these reasons, this variant has been classified as Pathogenic. ClinVar contains an entry for this variant (Variation ID: 944843). This premature translational stop signal has been observed in individual(s) with Ellis-van Creveld syndrom (PMID: 17024374). This variant is present in population databases (no rsID available, gnomAD 0.003%). This sequence change creates a premature translational stop signal (p.Leu514Argfs*22) in the EVC2 gene. It is expected to result in an absent or disrupted protein product. Loss-of-function variants in EVC2 are known to be pathogenic (PMID: 17024374, 19810119, 19876929).

Literature cited by the submitters: PubMed 17024374; PubMed 19810119; PubMed 19876929.

NM_147127.5(EVC2):c.1541_1542del (p.Leu514fs)

Gene: EVC2 (EvC ciliary complex subunit 2; minus strand). Cytogenetic location: 4p16.2.
Variant type: Microsatellite.
Coding change: c.1541_1542del on transcript NM_147127.5 (MANE Select); coding-DNA positions 1541 to 1542, 2 bases deleted (TC; older notation c.1541_1542delTC).
Protein change: p.Leu514fs; shifts the reading frame from leucine 514.
Molecular consequence: frameshift variant.
Genome position (GRCh38, 1-based): chr4:5,631,961-5,631,962, GA deleted on the plus strand (TC on the coding strand, the reverse complement: EVC2 is on the minus strand); deleting any 2 consecutive bases within chr4:5,631,961-5,631,966 gives the same sequence; the c. name uses the placement nearest the transcript's 3' end. VCF-style (leftmost placement, unchanged base first): chr4-5631960-CGA-C. GRCh37 (hg19) VCF-style: chr4-5633687-CGA-C.
Other names: c.1301_1302del, p.Leu434fs (NM_001166136.2); short protein forms L434fs, L514fs.
Identifiers: ClinVar variation 944843 (VCV000944843.10), dbSNP rs1560180583, ClinGen allele CA549707330.